The following is an entry in ClinVar:

ClinVar aggregate classification (germline): Pathogenic/Likely pathogenic. Review status: criteria provided, multiple submitters, no conflicts (2 of 4 stars). 2 submissions from 2 submitters: Pathogenic (1); Likely pathogenic (1). Last evaluated 2023-01-16.

gnomAD v4.1: 1 of 1,613,476 alleles (0.000062%); highest among the groups gnomAD compares: Non-Finnish European, 0.000085%; no homozygotes.

Submissions (2):

Labcorp Genetics (formerly Invitae), Labcorp
Classification: Pathogenic. Last evaluated: 2023-01-16. Review status: criteria provided, single submitter. Criteria: Invitae Variant Classification Sherloc (09022015). Collection method: clinical testing. Allele origin: germline.
Comment: This sequence change creates a premature translational stop signal (p.Gln85*) in the RARS2 gene. It is expected to result in an absent or disrupted protein product. Loss-of-function variants in RARS2 are known to be pathogenic (PMID: 17847012, 22569581, 26083569). This variant is not present in population databases (gnomAD no frequency). This variant has not been reported in the literature in individuals affected with RARS2-related conditions. For these reasons, this variant has been classified as Pathogenic.

Clinical Genetics Laboratory, Skane University Hospital Lund
Classification: Likely pathogenic. Last evaluated: 2022-05-27. Review status: criteria provided, single submitter. Criteria: ACMG Guidelines, 2015. Collection method: clinical testing. Allele origin: germline. Affected: yes.

Literature cited by the submitters: PubMed 17847012 (cited by Labcorp Genetics (formerly Invitae), Labcorp); PubMed 22569581 (cited by Labcorp Genetics (formerly Invitae), Labcorp); PubMed 26083569 (cited by Labcorp Genetics (formerly Invitae), Labcorp).

NM_020320.5(RARS2):c.253C>T (p.Gln85Ter)

Gene: RARS2 (arginyl-tRNA synthetase 2, mitochondrial; minus strand). Cytogenetic location: 6q15.
Variant type: single nucleotide variant.
Coding change: c.253C>T on transcript NM_020320.5 (MANE Select); coding-DNA position 253, C replaced by T.
Protein change: p.Gln85Ter; replaces glutamine 85 with a stop codon.
Molecular consequence: nonsense. On other transcripts: 5 prime UTR variant (7), non-coding transcript variant (23).
Genome position (GRCh38, 1-based): chr6:87,562,746, G>A on the plus strand (C>T on the coding strand, the complement: RARS2 is on the minus strand). VCF-style: chr6-87562746-G-A. GRCh37 (hg19) VCF-style: chr6-88272464-G-A.
Other names: c.-217C>T (NM_001318785.2, NM_001350509.2); c.253C>T, p.Gln85Ter (NM_001350505.2); c.-273C>T (NM_001350506.2, NM_001350507.2, NM_001350510.2 and 1 more transcripts); c.-435C>T (NM_001350508.2); c.253C>T (NM_020320.3); short protein forms Q85*.
Identifiers: ClinVar variation 2775650 (VCV002775650.4), dbSNP rs1788219551, ClinGen allele CA364939243.
Genomic context (GRCh38, chr6:87,562,746, plus strand): 5'-ATTAACTTATTCTTACCTTTGTTAAGAGCTCTCTGTTTATTTTGAAATTTACAGTCCTTT[G>A]ACCAGTACTGATTTCACTCACCACTGTATCACATCTTAGCTGAAAAGAACAAATCACACA-3'